The following is an entry in ClinVar:

ClinVar aggregate classification (germline): Uncertain significance. Review status: criteria provided, multiple submitters, no conflicts (2 of 4 stars). 2 submissions from 2 submitters: Uncertain significance (2). Last evaluated 2022-04-26.

Submissions (2):

GeneDx
Classification: Uncertain significance. Last evaluated: 2022-04-26. Review status: criteria provided, single submitter. Criteria: GeneDx Variant Classification Process June 2021. Collection method: clinical testing. Allele origin: germline. Affected: yes.
Comment: Not observed at significant frequency in large population cohorts (gnomAD); In silico analysis supports that this missense variant has a deleterious effect on protein structure/function; Has not been previously published as pathogenic or benign to our knowledge; This variant is associated with the following publications: (PMID: 19151156, 27248010)

Ambry Genetics
Classification: Uncertain significance. Last evaluated: 2020-10-29. Review status: criteria provided, single submitter. Criteria: Ambry Variant Classification Scheme 2023. Collection method: clinical testing. Allele origin: germline.
Comment: The p.L204Q variant (also known as c.611T>A), located in coding exon 5 of the RECQL gene, results from a T to A substitution at nucleotide position 611. The leucine at codon 204 is replaced by glutamine, an amino acid with dissimilar properties. This amino acid position is highly conserved in available vertebrate species. In addition, this alteration is predicted to be deleterious by in silico analysis. Since supporting evidence is limited at this time, the clinical significance of this alteration remains unclear.

NM_002907.4(RECQL):c.611T>A (p.Leu204Gln)

Gene: RECQL (RecQ like helicase; minus strand). Cytogenetic location: 12p12.1.
Variant type: single nucleotide variant.
Coding change: c.611T>A on transcript NM_002907.4 (MANE Select); coding-DNA position 611, T replaced by A.
Protein change: p.Leu204Gln; replaces leucine 204 with glutamine.
Molecular consequence: missense variant.
Genome position (GRCh38, 1-based): chr12:21,483,465, A>T on the plus strand (T>A on the coding strand, the complement: RECQL is on the minus strand). VCF-style: chr12-21483465-A-T. GRCh37 (hg19) VCF-style: chr12-21636399-A-T.
Other names: c.611T>A, p.Leu204Gln (NM_032941.3); short protein forms L204Q.
Identifiers: ClinVar variation 1712905 (VCV001712905.4), dbSNP rs2540375098, ClinGen allele CA384127208.